The following is an entry in ClinVar:

ClinVar aggregate classification (germline): Uncertain significance (1 of 4 stars; one submission).

Allele frequency attached by ClinVar (database versions not stated): ExAC 0.00004; gnomAD 0.00004; gnomAD exomes 0.00004; TOPMed 0.00005; ESP Exome Variant Server 0.00008.
gnomAD v4.1: 57 of 1,610,700 alleles (0.0035%); highest among the groups gnomAD compares: Admixed American, 0.005%; no homozygotes.

Submission:

Labcorp Genetics (formerly Invitae), Labcorp
Classification: Uncertain significance. Last evaluated: 2023-11-27. Review status: criteria provided, single submitter. Criteria: Invitae Variant Classification Sherloc (09022015). Collection method: clinical testing. Allele origin: germline.
Comment: This sequence change falls in intron 10 of the KLC2 gene. It does not directly change the encoded amino acid sequence of the KLC2 protein. It affects a nucleotide within the consensus splice site. This variant is present in population databases (rs375349873, gnomAD 0.005%). This variant has not been reported in the literature in individuals affected with KLC2-related conditions. Variants that disrupt the consensus splice site are a relatively common cause of aberrant splicing (PMID: 17576681, 9536098). Algorithms developed to predict the effect of sequence changes on RNA splicing suggest that this variant is not likely to affect RNA splicing. In summary, the available evidence is currently insufficient to determine the role of this variant in disease. Therefore, it has been classified as a Variant of Uncertain Significance.

Literature cited by the submitters: PubMed 17576681; PubMed 9536098.

NM_001318734.2(KLC2):c.1266+5C>G

Genes: KLC2-AS1 (KLC2 antisense RNA 1; minus strand), KLC2 (kinesin light chain 2; plus strand). Cytogenetic location: 11q13.2.
Variant type: single nucleotide variant.
Coding change: c.1266+5C>G on transcript NM_001318734.2 (MANE Select); 5 bases into the intron after coding-DNA position 1266, C replaced by G.
Molecular consequence: intron variant.
Genome position (GRCh38, 1-based): chr11:66,265,077, C>G. VCF-style: chr11-66265077-C-G. GRCh37 (hg19) VCF-style: chr11-66032548-C-G.
Other names: c.1266+5C>G (NM_001134775.2, NM_022822.3, NM_001134776.2); c.1035+5C>G (NM_001134774.2).
Identifiers: ClinVar variation 2894208 (VCV002894208.3), dbSNP rs375349873, ClinGen allele CA6117357.
Genomic context (GRCh38, chr11:66,265,077, plus strand): 5'-CCCCAGGGGACAACAAGCCCATCTGGATGCACGCAGAGGAGCGGGAGGAAAGCAAGGTAG[C>G]TCTGTGGGGCAGGCTGGGCGGTTGTCAGGGGAGGCTGGGATGTGCAGAGGGGGGCCTGCT-3'